The following is an entry in ClinVar:

NC_000007.13:g.(?_65425884)_(65447170_?)dup

Gene: GUSB (glucuronidase beta; minus strand). Cytogenetic location: 7q11.21.
Variant type: Duplication.
Identifiers: ClinVar variation 1063985 (VCV001063985.5).

ClinVar aggregate classification (germline): Uncertain significance (1 of 4 stars; one submission).

Conditions:
Mucopolysaccharidosis type 7 (MPS7). Also called: MPS VII; SLY SYNDROME; BETA-GLUCURONIDASE DEFICIENCY; GUSB DEFICIENCY. Identifiers: Orphanet 584, MedGen C0085132, MONDO:0009662, OMIM 253220.

Submission:

Labcorp Genetics (formerly Invitae), Labcorp
Classification: Uncertain significance for Mucopolysaccharidosis type 7. Last evaluated: 2022-09-02. Review status: criteria provided, single submitter. Criteria: Invitae Variant Classification Sherloc (09022015). Collection method: clinical testing. Allele origin: germline.
Comment: A copy number gain of the genomic region encompassing the full coding sequence of the GUSB gene has been identified. The boundaries of this event are unknown as they extend beyond the assayed region for this gene and therefore may encompass additional genes. As the precise location of this event is unknown, it may be in tandem or it may be located elsewhere in the genome. This variant has not been reported in the literature in individuals affected with GUSB-related conditions. In summary, the available evidence is currently insufficient to determine the role of this variant in disease. Therefore, it has been classified as a Variant of Uncertain Significance.